The following is an entry in ClinVar:

ClinVar aggregate classification (germline): Uncertain significance (1 of 4 stars; one submission).

gnomAD v4.1: 1 of 1,613,994 alleles (0.000062%); highest among the groups gnomAD compares: African/African-American, 0.0013%; no homozygotes.

Submission:

GeneDx
Classification: Uncertain significance. Last evaluated: 2026-03-12. Review status: criteria provided, single submitter. Criteria: GeneDx Variant Classification Process June 2021. Collection method: clinical testing. Allele origin: germline.
Comment: Not observed at significant frequency in large population cohorts (gnomAD); In silico analysis supports that this missense variant has a deleterious effect on protein structure/function; Has not been previously published as pathogenic or benign to our knowledge

NM_003922.4(HERC1):c.13030A>G (p.Asn4344Asp)

Gene: HERC1 (HECT and RLD domain containing E3 ubiquitin protein ligase family member 1; minus strand). Cytogenetic location: 15q22.31.
Variant type: single nucleotide variant.
Coding change: c.13030A>G on transcript NM_003922.4 (MANE Select); coding-DNA position 13030, A replaced by G.
Protein change: p.Asn4344Asp; replaces asparagine 4344 with aspartic acid.
Molecular consequence: missense variant.
Genome position (GRCh38, 1-based): chr15:63,628,752, T>C on the plus strand (A>G on the coding strand, the complement: HERC1 is on the minus strand). VCF-style: chr15-63628752-T-C. GRCh37 (hg19) VCF-style: chr15-63920951-T-C.
Other names: short protein forms N4344D.
Identifiers: ClinVar variation 5009060 (VCV005009060.1).